The following is an entry in ClinVar:

ClinVar aggregate classification (germline): Benign (1 of 4 stars; one submission).

Conditions:
Heterotaxy, visceral, 4, autosomal (HTX4). Identifiers: Orphanet 450, MedGen C3151057, MONDO:0013403, OMIM 613751.

Allele frequency attached by ClinVar (database versions not stated): gnomAD 0.00011 and 0.00015; TOPMed 0.00023; 1000 Genomes Project 30x 0.00031; 1000 Genomes Project 0.00040.
gnomAD v4.1: 24 of 152,684 alleles (0.016%); highest among the groups gnomAD compares: East Asian, 0.42%; no homozygotes.

Submission:

Illumina Laboratory Services, Illumina
Classification: Benign for Heterotaxy, visceral, 4, autosomal. Last evaluated: 2018-01-13. Review status: criteria provided, single submitter. Criteria: ICSL Variant Classification Criteria 13 December 2019. Collection method: clinical testing. Allele origin: germline.
Comment: This variant was observed in the ICSL laboratory as part of a predisposition screen in an ostensibly healthy population. It had not been previously curated by ICSL or reported in the Human Gene Mutation Database (HGMD: prior to June 1st, 2018), and was therefore a candidate for classification through an automated scoring system. Utilizing variant allele frequency, disease prevalence and penetrance estimates, and inheritance mode, an automated score was calculated to assess if this variant is too frequent to cause the disease. Based on the score and internal cut-off values, a variant classified as benign is not then subjected to further curation. The score for this variant resulted in a classification of benign for this disease.

NM_001106.4(ACVR2B):c.*5901C>T

Gene: ACVR2B (activin A receptor type 2B; plus strand). Cytogenetic location: 3p22.2.
Variant type: single nucleotide variant.
Coding change: c.*5901C>T on transcript NM_001106.4 (MANE Select); 5901 bases downstream of the stop codon, C replaced by T.
Molecular consequence: 3 prime UTR variant.
Genome position (GRCh38, 1-based): chr3:38,489,233, C>T. VCF-style: chr3-38489233-C-T. GRCh37 (hg19) VCF-style: chr3-38530724-C-T.
Identifiers: ClinVar variation 900523 (VCV000900523.4), dbSNP rs191838801, ClinGen allele CA72932452.